The following is an entry in ClinVar:

ClinVar aggregate classification (germline): Uncertain significance (1 of 4 stars; one submission).

Conditions:
Hereditary cancer-predisposing syndrome. Also called: Hereditary neoplastic syndrome; Neoplastic Syndromes, Hereditary; Tumor predisposition; Hereditary Cancer Syndrome. Identifiers: Orphanet 140162, MedGen C0027672, MeSH D009386, MONDO:0015356.

Submission:

Ambry Genetics
Classification: Uncertain significance for Hereditary cancer-predisposing syndrome. Last evaluated: 2025-07-17. Review status: criteria provided, single submitter. Criteria: Ambry Variant Classification Scheme 2023. Collection method: clinical testing. Allele origin: germline.
Comment: The p.L622F variant (also known as c.1864C>T), located in coding exon 5 of the PALB2 gene, results from a C to T substitution at nucleotide position 1864. The leucine at codon 622 is replaced by phenylalanine, an amino acid with highly similar properties. This amino acid position is conserved. In addition, the in silico prediction for this alteration is inconclusive. Based on the available evidence, the clinical significance of this variant remains unclear.

NM_024675.4(PALB2):c.1864C>T (p.Leu622Phe)

Gene: PALB2 (partner and localizer of BRCA2; minus strand). Cytogenetic location: 16p12.2.
Variant type: single nucleotide variant.
Coding change: c.1864C>T on transcript NM_024675.4 (MANE Select); coding-DNA position 1864, C replaced by T.
Protein change: p.Leu622Phe; replaces leucine 622 with phenylalanine.
Molecular consequence: missense variant. On other transcripts: intron variant (1).
Genome position (GRCh38, 1-based): chr16:23,630,290, G>A on the plus strand (C>T on the coding strand, the complement: PALB2 is on the minus strand). VCF-style: chr16-23630290-G-A. GRCh37 (hg19) VCF-style: chr16-23641611-G-A.
Other names: c.49-1015C>T (NM_001407314.1); c.76C>T, p.Leu26Phe (NM_001407312.1, NM_001407313.1); c.1804C>T, p.Leu602Phe (NM_001407296.1); c.1864C>T, p.Leu622Phe (NM_001407297.1, NM_001407298.1, NM_001407299.1 and 3 more transcripts); c.979C>T, p.Leu327Phe (NM_001407304.1, NM_001407305.1, NM_001407306.1 and 5 more transcripts); short protein forms L327F, L622F, L26F, L602F.
Identifiers: ClinVar variation 4130329 (VCV004130329.1).